The following is an entry in ClinVar:

NM_001254.4(CDC6):c.1145C>G (p.Ala382Gly)

Gene: CDC6 (cell division cycle 6; plus strand). Cytogenetic location: 17q21.2.
Variant type: single nucleotide variant.
Coding change: c.1145C>G on transcript NM_001254.4 (MANE Select); coding-DNA position 1145, C replaced by G.
Protein change: p.Ala382Gly; replaces alanine 382 with glycine.
Molecular consequence: missense variant.
Genome position (GRCh38, 1-based): chr17:40,295,417, C>G. VCF-style: chr17-40295417-C-G. GRCh37 (hg19) VCF-style: chr17-38451669-C-G.
Other names: short protein forms A382G.
Identifiers: ClinVar variation 2960270 (VCV002960270.3), dbSNP rs370762936, ClinGen allele CA8542061.

ClinVar aggregate classification (germline): Uncertain significance (1 of 4 stars; one submission).

Allele frequency attached by ClinVar (database versions not stated): gnomAD exomes below 0.00001; ExAC 0.00001; gnomAD 0.00001; TOPMed 0.00005; ESP Exome Variant Server 0.00008.
gnomAD v4.1: 8 of 1,613,158 alleles (0.0005%); highest among the groups gnomAD compares: African/African-American, 0.011%; no homozygotes.

Submission:

Labcorp Genetics (formerly Invitae), Labcorp
Classification: Uncertain significance. Last evaluated: 2024-01-13. Review status: criteria provided, single submitter. Criteria: Invitae Variant Classification Sherloc (09022015). Collection method: clinical testing. Allele origin: germline.
Comment: This sequence change replaces alanine, which is neutral and non-polar, with glycine, which is neutral and non-polar, at codon 382 of the CDC6 protein (p.Ala382Gly). This variant is present in population databases (rs370762936, gnomAD 0.008%). This variant has not been reported in the literature in individuals affected with CDC6-related conditions. An algorithm developed to predict the effect of missense changes on protein structure and function (PolyPhen-2) suggests that this variant is likely to be disruptive. In summary, the available evidence is currently insufficient to determine the role of this variant in disease. Therefore, it has been classified as a Variant of Uncertain Significance.